The following is an entry in ClinVar:

NM_001042492.3(NF1):c.5227G>T (p.Ala1743Ser)

Gene: NF1 (neurofibromin 1; plus strand). Cytogenetic location: 17q11.2.
Variant type: single nucleotide variant.
Coding change: c.5227G>T on transcript NM_001042492.3 (MANE Select); coding-DNA position 5227, G replaced by T.
Protein change: p.Ala1743Ser; replaces alanine 1743 with serine.
Molecular consequence: missense variant.
Genome position (GRCh38, 1-based): chr17:31,326,211, G>T. VCF-style: chr17-31326211-G-T. GRCh37 (hg19) VCF-style: chr17-29653229-G-T.
Other names: c.5164G>T, p.Ala1722Ser (NM_000267.4); short protein forms A1722S, A1743S.
Identifiers: ClinVar variation 1713330 (VCV001713330.5), dbSNP rs878853900, ClinGen allele CA399008232.

ClinVar aggregate classification (germline): Uncertain significance (1 of 4 stars; one submission).

Conditions:
Neurofibromatosis, type 1 (NF1). Also called: Peripheral type neurofibromatosis; VON RECKLINGHAUSEN DISEASE; NEUROFIBROMATOSIS, TYPE I, SOMATIC; Neurofibromatosis, type I. Identifiers: Orphanet 636, MedGen C0027831, MONDO:0018975, OMIM 162200. Disease mechanism: loss of function.

Submission:

Labcorp Genetics (formerly Invitae), Labcorp
Classification: Uncertain significance for Neurofibromatosis, type 1. Last evaluated: 2022-07-22. Review status: criteria provided, single submitter. Criteria: Invitae Variant Classification Sherloc (09022015). Collection method: clinical testing. Allele origin: germline.
Comment: In summary, the available evidence is currently insufficient to determine the role of this variant in disease. Therefore, it has been classified as a Variant of Uncertain Significance. Algorithms developed to predict the effect of missense changes on protein structure and function are either unavailable or do not agree on the potential impact of this missense change (SIFT: "Tolerated"; PolyPhen-2: "Probably Damaging"; Align-GVGD: "Class C0"). This variant has not been reported in the literature in individuals affected with NF1-related conditions. This variant is not present in population databases (gnomAD no frequency). This sequence change replaces alanine, which is neutral and non-polar, with serine, which is neutral and polar, at codon 1722 of the NF1 protein (p.Ala1722Ser).